The following is an entry in ClinVar:

NM_001793.6(CDH3):c.636G>C (p.Lys212Asn)

Gene: CDH3 (cadherin 3; plus strand). Cytogenetic location: 16q22.1.
Variant type: single nucleotide variant.
Coding change: c.636G>C on transcript NM_001793.6 (MANE Select); coding-DNA position 636, G replaced by C.
Protein change: p.Lys212Asn; replaces lysine 212 with asparagine.
Molecular consequence: missense variant.
Genome position (GRCh38, 1-based): chr16:68,678,851, G>C. VCF-style: chr16-68678851-G-C. GRCh37 (hg19) VCF-style: chr16-68712754-G-C.
Other names: c.636G>C, p.Lys212Asn (NM_001317195.3); c.471G>C, p.Lys157Asn (NM_001317196.2); short protein forms K157N, K212N.
Identifiers: ClinVar variation 1933662 (VCV001933662.5), dbSNP rs746232602, ClinGen allele CA8129085.
Genomic context (GRCh38, chr16:68,678,851, plus strand): 5'-TGCCTCAGTGGAGGACCCCATGAACATCTCCATCATCGTGACCGACCAGAATGACCACAA[G>C]CCCAAGTTTACCCAGGACACCTTCCGAGGGAGTGTCTTAGAGGGAGTCCTACCAGGTAAG-3'
Protein context (NP_001784.2, residues 202-222): SIIVTDQNDH[Lys212Asn]PKFTQDTFRG

ClinVar aggregate classification (germline): Uncertain significance (1 of 4 stars; one submission).

Allele frequency attached by ClinVar (database versions not stated): gnomAD exomes below 0.00001; ExAC 0.00001; gnomAD 0.00002.
gnomAD v4.1: 4 of 1,613,988 alleles (0.00025%); highest among the groups gnomAD compares: African/African-American, 0.0053%; no homozygotes.

Submission:

Labcorp Genetics (formerly Invitae), Labcorp
Classification: Uncertain significance. Last evaluated: 2024-11-18. Review status: criteria provided, single submitter. Criteria: Invitae Variant Classification Sherloc (09022015). Collection method: clinical testing. Allele origin: germline.
Comment: This sequence change replaces lysine, which is basic and polar, with asparagine, which is neutral and polar, at codon 212 of the CDH3 protein (p.Lys212Asn). This variant is present in population databases (rs746232602, gnomAD 0.007%). This variant has not been reported in the literature in individuals affected with CDH3-related conditions. ClinVar contains an entry for this variant (Variation ID: 1933662). Invitae Evidence Modeling of protein sequence and biophysical properties (such as structural, functional, and spatial information, amino acid conservation, physicochemical variation, residue mobility, and thermodynamic stability) indicates that this missense variant is not expected to disrupt CDH3 protein function with a negative predictive value of 80%. In summary, the available evidence is currently insufficient to determine the role of this variant in disease. Therefore, it has been classified as a Variant of Uncertain Significance.